The following is an entry in ClinVar:

ClinVar aggregate classification (germline): Likely benign. Review status: criteria provided, multiple submitters, no conflicts (2 of 4 stars). 5 submissions from 5 submitters: Likely benign (4). 1 of the submissions does not count toward it. Last evaluated 2026-09-01.

Conditions:
Inborn genetic diseases. Identifiers: MedGen C0950123, MeSH D030342.
CDH2-related disorder. Also called: CDH2-related condition.

Allele frequency attached by ClinVar (database versions not stated): 1000 Genomes Project 0.00020; gnomAD exomes 0.00037 and 0.00075; ExAC 0.00041; TOPMed 0.00041; gnomAD 0.00044; 1000 Genomes Project 30x 0.00047.
gnomAD v4.1: 1,035 of 1,437,052 alleles (0.072%); highest among the groups gnomAD compares: Non-Finnish European, 0.085%; no homozygotes.

Submissions (5):

CeGaT Center for Human Genetics Tuebingen
Classification: Likely benign. Last evaluated: 2026-09-01. Review status: criteria provided, single submitter. Criteria: CeGaT Center For Human Genetics Tuebingen Variant Classification Criteria Version 2. Collection method: clinical testing. Allele origin: germline. Affected: yes. Observed: 1 variant allele.
Comment: CDH2: BP4, BP7

Labcorp Genetics (formerly Invitae), Labcorp
Classification: Likely benign. Last evaluated: 2026-01-27. Review status: criteria provided, single submitter. Criteria: Invitae Variant Classification Sherloc (09022015). Collection method: clinical testing. Allele origin: germline.

Blueprint Genetics
Classification: Likely benign. Last evaluated: 2024-10-25. Review status: criteria provided, single submitter. Criteria: ACMG Guidelines, 2015. Collection method: clinical testing. Allele origin: germline.

Ambry Genetics
Classification: Likely benign for Inborn genetic diseases. Last evaluated: 2022-03-03. Review status: criteria provided, single submitter. Criteria: Ambry Variant Classification Scheme 2023. Collection method: clinical testing. Allele origin: germline.

PreventionGenetics, part of Exact Sciences
Classification: Likely benign for CDH2-related condition. Last evaluated: 2019-03-27. Review status: no assertion criteria provided. Collection method: clinical testing. Allele origin: germline. Not counted in ClinVar's aggregate classification.
Comment: This variant is classified as likely benign based on ACMG/AMP sequence variant interpretation guidelines (Richards et al. 2015 PMID: 25741868, with internal and published modifications).

NM_001792.5(CDH2):c.43C>T (p.Leu15=)

Gene: CDH2 (cadherin 2; minus strand). Cytogenetic location: 18q12.1.
Variant type: single nucleotide variant.
Coding change: c.43C>T on transcript NM_001792.5 (MANE Select); coding-DNA position 43, C replaced by T.
Protein change: p.Leu15=; no amino-acid change (leucine 15 retained).
Molecular consequence: synonymous variant.
Genome position (GRCh38, 1-based): chr18:28,176,980, G>A on the plus strand (C>T on the coding strand, the complement: CDH2 is on the minus strand). VCF-style: chr18-28176980-G-A. GRCh37 (hg19) VCF-style: chr18-25756944-G-A.
Other names: c.43C>T (NM_001792.4).
Identifiers: ClinVar variation 1631334 (VCV001631334.14), dbSNP rs558600173, ClinGen allele CA8923860.